The following is an entry in ClinVar:

ClinVar aggregate classification (germline): Benign (1 of 4 stars; one submission).

Allele frequency attached by ClinVar (database versions not stated): TOPMed 0.90251; gnomAD 0.90640 and 0.90808; 1000 Genomes Project 30x 0.91334; 1000 Genomes Project 0.91753.
gnomAD v4.1: 138,145 of 152,156 alleles (91%); highest among the groups gnomAD compares: East Asian, 95%; 62,817 homozygotes.

Submission:

GeneDx
Classification: Benign. Last evaluated: 2018-06-14. Review status: criteria provided, single submitter. Criteria: GeneDx Variant Classification (06012015). Collection method: clinical testing. Allele origin: germline. Affected: yes.
Comment: This variant is considered likely benign or benign based on one or more of the following criteria: it is a conservative change, it occurs at a poorly conserved position in the protein, it is predicted to be benign by multiple in silico algorithms, and/or has population frequency not consistent with disease.

NM_012123.4(MTO1):c.1261-218G>A

Gene: MTO1 (mitochondrial tRNA translation optimization 1; plus strand). Cytogenetic location: 6q13.
Variant type: single nucleotide variant.
Coding change: c.1261-218G>A on transcript NM_012123.4 (MANE Select); 218 bases into the intron before coding-DNA position 1261, G replaced by A.
Molecular consequence: intron variant.
Genome position (GRCh38, 1-based): chr6:73,481,822, G>A. VCF-style: chr6-73481822-G-A. GRCh37 (hg19) VCF-style: chr6-74191545-G-A.
Other names: c.1336-218G>A (NM_133645.3); c.1381-218G>A (NM_001123226.2).
Identifiers: ClinVar variation 678137 (VCV000678137.1), dbSNP rs535902, ClinGen allele CA12444981.